The following is an entry in ClinVar:

NM_173689.7(CRB2):c.789C>T (p.Asp263=)

Gene: CRB2 (crumbs cell polarity complex component 2; plus strand). Cytogenetic location: 9q33.3.
Variant type: single nucleotide variant.
Coding change: c.789C>T on transcript NM_173689.7 (MANE Select); coding-DNA position 789, C replaced by T.
Protein change: p.Asp263=; no amino-acid change (aspartic acid 263 retained).
Molecular consequence: synonymous variant.
Genome position (GRCh38, 1-based): chr9:123,367,206, C>T. VCF-style: chr9-123367206-C-T. GRCh37 (hg19) VCF-style: chr9-126129485-C-T.
Other names: c.789C>T (NM_173689.6).
Identifiers: ClinVar variation 1638984 (VCV001638984.9), dbSNP rs758566750, ClinGen allele CA5231800.

ClinVar aggregate classification (germline): Likely benign. Review status: criteria provided, multiple submitters, no conflicts (2 of 4 stars). 2 submissions from 2 submitters: Likely benign (2). Last evaluated 2026-03-11.

Conditions:
CRB2-related disorder. Also called: CRB2-related disorders; CRB2-related condition.

Allele frequency attached by ClinVar (database versions not stated): gnomAD 0.00001 and 0.00002; gnomAD exomes 0.00001; TOPMed 0.00001; ExAC 0.00002.
gnomAD v4.1: 18 of 1,601,518 alleles (0.0011%); highest among the groups gnomAD compares: East Asian, 0.0022%; no homozygotes.

Submissions (2):

PreventionGenetics, part of Exact Sciences
Classification: Likely benign for CRB2-related condition. Last evaluated: 2026-03-11. Review status: criteria provided, single submitter. Criteria: ACMG Guidelines, 2015. Collection method: clinical testing. Allele origin: germline.
Comment: This variant is classified as likely benign based on ACMG/AMP sequence variant interpretation guidelines (Richards et al. 2015 PMID: 25741868, with internal and published modifications).

Labcorp Genetics (formerly Invitae), Labcorp
Classification: Likely benign. Last evaluated: 2025-06-12. Review status: criteria provided, single submitter. Criteria: Invitae Variant Classification Sherloc (09022015). Collection method: clinical testing. Allele origin: germline.